The following is an entry in ClinVar:

NM_006206.6(PDGFRA):c.2774+6C>T

Gene: PDGFRA (platelet derived growth factor receptor alpha; plus strand). Cytogenetic location: 4q12.
Variant type: single nucleotide variant.
Coding change: c.2774+6C>T on transcript NM_006206.6 (MANE Select); 6 bases into the intron after coding-DNA position 2774, C replaced by T.
Molecular consequence: intron variant.
Genome position (GRCh38, 1-based): chr4:54,288,904, C>T. VCF-style: chr4-54288904-C-T. GRCh37 (hg19) VCF-style: chr4-55155071-C-T.
Other names: c.2849+6C>T (NM_001347828.2); c.2774+6C>T (NM_001347829.2); c.2813+6C>T (NM_001347830.2).
Identifiers: ClinVar variation 407437 (VCV000407437.10), dbSNP rs1060501517, ClinGen allele CA16611497.

ClinVar aggregate classification (germline): Uncertain significance (1 of 4 stars; one submission).

Conditions:
Gastrointestinal stromal tumor. Also called: Gastrointestinal stroma tumor; Gastrointestinal stromal tumor, somatic. Identifiers: Orphanet 44890, MedGen C0238198, MeSH D046152, MONDO:0011719, OMIM 606764, HP:0100723.

gnomAD v4.1: 2 of 1,594,414 alleles (0.00013%); highest among the groups gnomAD compares: Non-Finnish European, 0.00017%; no homozygotes.

Submission:

Labcorp Genetics (formerly Invitae), Labcorp
Classification: Uncertain significance for Gastrointestinal stromal tumor. Last evaluated: 2025-11-05. Review status: criteria provided, single submitter. Criteria: Invitae Variant Classification Sherloc (09022015). Collection method: clinical testing. Allele origin: germline.
Comment: This sequence change falls in intron 20 of the PDGFRA gene. It does not directly change the encoded amino acid sequence of the PDGFRA protein. It affects a nucleotide within the consensus splice site. This variant is not present in population databases (gnomAD no frequency). This variant has not been reported in the literature in individuals affected with PDGFRA-related conditions. ClinVar contains an entry for this variant (Variation ID: 407437). Variants that disrupt the consensus splice site are a relatively common cause of aberrant splicing (PMID: 17576681, 9536098). Algorithms developed to predict the effect of sequence changes on RNA splicing suggest that this variant is not likely to affect RNA splicing. In summary, the available evidence is currently insufficient to determine the role of this variant in disease. Therefore, it has been classified as a Variant of Uncertain Significance.

Literature cited by the submitters: PubMed 17576681; PubMed 9536098.